The following is an entry in ClinVar:

NM_080916.3(DGUOK):c.218C>G (p.Ala73Gly)

Gene: DGUOK (deoxyguanosine kinase; plus strand). Cytogenetic location: 2p13.1.
Variant type: single nucleotide variant.
Coding change: c.218C>G on transcript NM_080916.3 (MANE Select); coding-DNA position 218, C replaced by G.
Protein change: p.Ala73Gly; replaces alanine 73 with glycine.
Molecular consequence: missense variant. On other transcripts: intron variant (4).
Genome position (GRCh38, 1-based): chr2:73,938,985, C>G. VCF-style: chr2-73938985-C-G. GRCh37 (hg19) VCF-style: chr2-74166112-C-G.
Other names: c.218C>G, p.Ala73Gly (NM_001318859.2, NM_080918.3); c.-37+6302C>G (NM_001318861.2, NM_001318862.2); c.-36-7734C>G (NM_001318860.2, NM_001318863.2); short protein forms A73G.
Identifiers: ClinVar variation 1939518 (VCV001939518.2), dbSNP rs1285250719, ClinGen allele CA347297632.

ClinVar aggregate classification (germline): Uncertain significance (1 of 4 stars; one submission).

gnomAD v4.1: 3 of 1,614,072 alleles (0.00019%); highest among the groups gnomAD compares: Admixed American, 0.005%; no homozygotes.

Submission:

Labcorp Genetics (formerly Invitae), Labcorp
Classification: Uncertain significance. Last evaluated: 2022-06-13. Review status: criteria provided, single submitter. Criteria: Invitae Variant Classification Sherloc (09022015). Collection method: clinical testing. Allele origin: germline.
Comment: This sequence change replaces alanine, which is neutral and non-polar, with glycine, which is neutral and non-polar, at codon 73 of the DGUOK protein (p.Ala73Gly). This variant is not present in population databases (gnomAD no frequency). This variant has not been reported in the literature in individuals affected with DGUOK-related conditions. Algorithms developed to predict the effect of missense changes on protein structure and function (SIFT, PolyPhen-2, Align-GVGD) all suggest that this variant is likely to be tolerated. In summary, the available evidence is currently insufficient to determine the role of this variant in disease. Therefore, it has been classified as a Variant of Uncertain Significance.